The following is an entry in ClinVar:

NM_006502.3(POLH):c.505C>T (p.Gln169Ter)

Gene: POLH (DNA polymerase eta; plus strand). Cytogenetic location: 6p21.1.
Variant type: single nucleotide variant.
Coding change: c.505C>T on transcript NM_006502.3 (MANE Select); coding-DNA position 505, C replaced by T.
Protein change: p.Gln169Ter; replaces glutamine 169 with a stop codon.
Molecular consequence: nonsense.
Genome position (GRCh38, 1-based): chr6:43,597,710, C>T. VCF-style: chr6-43597710-C-T. GRCh37 (hg19) VCF-style: chr6-43565447-C-T.
Other names: c.133C>T, p.Gln45Ter (NM_001291969.2); c.505C>T, p.Gln169Ter (NM_001291970.2); short protein forms Q169*, Q45*.
Identifiers: ClinVar variation 4292256 (VCV004292256.1), dbSNP rs1582297122.
Genomic context (GRCh38, chr6:43,597,710, plus strand): 5'-AAATAATTTTTTAAATGTCTAAATGTGAGTTCTTAATTCATTTCAGAGGGGATGCGAAAA[C>T]AAGGCTTATTTCAATGGCTCGATTCTCTTCAGATTGATAACCTCACCTCTCCAGACCTGC-3'

ClinVar aggregate classification (germline): Pathogenic (1 of 4 stars; one submission).

Conditions:
Xeroderma pigmentosum variant type. Also called: POLH-Related Xeroderma Pigmentosum; PHOTOSENSITIVITY WITH DEFECTIVE DNA SYNTHESIS; XERODERMA PIGMENTOSUM WITH NORMAL DNA REPAIR RATES. Identifiers: Orphanet 90342, MedGen C1848410, MONDO:0010214, OMIM 278750.

gnomAD v4.1: 2 of 1,613,866 alleles (0.00012%); highest among the groups gnomAD compares: Non-Finnish European, 0.00017%; no homozygotes.

Submission:

3billion
Classification: Pathogenic for Xeroderma pigmentosum variant type. Last evaluated: 2025-02-21. Review status: criteria provided, single submitter. Criteria: ACMG Guidelines, 2015. Collection method: clinical testing. Allele origin: germline. Affected: yes.
Comment: The variant is observed at an extremely low frequency in the gnomAD v4.1.0 dataset (total allele frequency: <0.001%). Predicted Consequence/Location: Stop-gained (nonsense): predicted to result in a loss or disruption of normal protein function through nonsense-mediated decay (NMD) or protein truncation. Multiple pathogenic variants are reported downstream of the variant. Therefore, this variant is classified as Pathogenic according to the recommendation of ACMG/AMP guideline.